The following is an entry in ClinVar:

ClinVar aggregate classification (germline): Uncertain significance (1 of 4 stars; one submission).

Conditions:
Hereditary cancer-predisposing syndrome. Also called: Tumor predisposition; Neoplastic Syndromes, Hereditary; Hereditary Cancer Syndrome; Hereditary neoplastic syndrome. Identifiers: Orphanet 140162, MedGen C0027672, MeSH D009386, MONDO:0015356.

Submission:

Ambry Genetics
Classification: Uncertain significance for Hereditary cancer-predisposing syndrome. Last evaluated: 2024-12-20. Review status: criteria provided, single submitter. Criteria: Ambry Variant Classification Scheme 2023. Collection method: clinical testing. Allele origin: germline.
Comment: The p.I818S variant (also known as c.2453T>G), located in coding exon 15 of the PMS2 gene, results from a T to G substitution at nucleotide position 2453. The isoleucine at codon 818 is replaced by serine, an amino acid with dissimilar properties. This amino acid position is conserved. In addition, this alteration is predicted to be deleterious by in silico analysis. Based on the available evidence, the clinical significance of this variant remains unclear.

NM_000535.7(PMS2):c.2453T>G (p.Ile818Ser)

Gene: PMS2 (PMS1 homolog 2, mismatch repair system component; minus strand). Cytogenetic location: 7p22.1.
Variant type: single nucleotide variant.
Coding change: c.2453T>G on transcript NM_000535.7 (MANE Select); coding-DNA position 2453, T replaced by G.
Protein change: p.Ile818Ser; replaces isoleucine 818 with serine.
Molecular consequence: missense variant. On other transcripts: non-coding transcript variant (1).
Genome position (GRCh38, 1-based): chr7:5,973,535, A>C on the plus strand (T>G on the coding strand, the complement: PMS2 is on the minus strand). VCF-style: chr7-5973535-A-C. GRCh37 (hg19) VCF-style: chr7-6013166-A-C.
Other names: c.2048T>G, p.Ile683Ser (NM_001322003.2, NM_001322004.2, NM_001322005.2 and 11 more transcripts); c.2297T>G, p.Ile766Ser (NM_001322006.2); c.2135T>G, p.Ile712Ser (NM_001322007.2, NM_001322008.2, NM_001406883.1); c.2081T>G, p.Ile694Ser (NM_001322009.2, NM_001406887.1, NM_001406888.1); c.1892T>G, p.Ile631Ser (NM_001322010.2, NM_001406906.1, NM_001406907.1); c.1520T>G, p.Ile507Ser (NM_001322011.2, NM_001322012.2); c.1880T>G, p.Ile627Ser (NM_001322013.2, NM_001406908.1, NM_001406909.1); c.2486T>G, p.Ile829Ser (NM_001322014.2); and 20 more; short protein forms I507S, I561S, I627S, I660S, I726S, I782S, I647S, I656S.
Identifiers: ClinVar variation 3890970 (VCV003890970.1).